The following is an entry in ClinVar:

ClinVar aggregate classification (germline): Uncertain significance. Review status: criteria provided, multiple submitters, no conflicts (2 of 4 stars). 2 submissions from 2 submitters: Uncertain significance (2). Last evaluated 2026-01-13.

Conditions:
Epidermolysis bullosa simplex with nail dystrophy (EBS5D). Identifiers: MedGen C4225309, MONDO:0014661, OMIM 616487.
Epidermolysis bullosa simplex, Ogna type (EBS5A). Also called: Pidermolysis bullosa simplex 5A, Ogna type; EPIDERMOLYSIS BULLOSA SIMPLEX 5A, OGNA TYPE. Identifiers: Orphanet 79401, MedGen C0432317, MONDO:0007555, OMIM 131950.
Autosomal recessive limb-girdle muscular dystrophy type 2Q (LGMDR17). Also called: MUSCULAR DYSTROPHY, LIMB-GIRDLE, AUTOSOMAL RECESSIVE 17. Identifiers: Orphanet 254361, MedGen C3150989, MONDO:0013390, OMIM 613723.
Epidermolysis bullosa simplex 5C, with pyloric atresia (EBS5C). Also called: PLEC-Related Epidermolysis Bullosa with Pyloric Atresia; Epidermolysis bullosa simplex with pyloric atresia; PLEC1-Related Epidermolysis Bullosa with Pyloric Atresia. Identifiers: Orphanet 158684, MedGen C2677349, MONDO:0012807, OMIM 612138.
Epidermolysis bullosa simplex 5B, with muscular dystrophy (EBS5B). Also called: EPIDERMOLYSIS BULLOSA SIMPLEX AND LIMB-GIRDLE MUSCULAR DYSTROPHY; Epidermolysis bullosa simplex with muscular dystrophy. Identifiers: Orphanet 257, MedGen C2931072, MONDO:0009181, OMIM 226670.

Allele frequency attached by ClinVar (database versions not stated): gnomAD 0.00003 and 0.00004; TOPMed 0.00003; ExAC 0.00004; gnomAD exomes 0.00007; 1000 Genomes Project 30x 0.00016; 1000 Genomes Project 0.00020.
gnomAD v4.1: 100 of 1,613,730 alleles (0.0062%); highest among the groups gnomAD compares: Middle Eastern, 0.05%; no homozygotes.

Submissions (2):

Labcorp Genetics (formerly Invitae), Labcorp
Classification: Uncertain significance for Autosomal recessive limb-girdle muscular dystrophy type 2Q; Epidermolysis bullosa simplex, Ogna type; Epidermolysis bullosa simplex with nail dystrophy; Epidermolysis bullosa simplex 5C, with pyloric atresia; Epidermolysis bullosa simplex 5B, with muscular dystrophy. Last evaluated: 2026-01-13. Review status: criteria provided, single submitter. Criteria: Invitae Variant Classification Sherloc (09022015). Collection method: clinical testing. Allele origin: germline.
Comment: This sequence change replaces arginine, which is basic and polar, with histidine, which is basic and polar, at codon 3509 of the PLEC protein (p.Arg3509His). This variant is present in population databases (rs548876454, gnomAD 0.03%). This variant has not been reported in the literature in individuals affected with PLEC-related conditions. ClinVar contains an entry for this variant (Variation ID: 478526). Invitae Evidence Modeling of protein sequence and biophysical properties (such as structural, functional, and spatial information, amino acid conservation, physicochemical variation, residue mobility, and thermodynamic stability) indicates that this missense variant is not expected to disrupt PLEC protein function with a negative predictive value of 80%. In summary, the available evidence is currently insufficient to determine the role of this variant in disease. Therefore, it has been classified as a Variant of Uncertain Significance.

Revvity Omics, Revvity
Classification: Uncertain significance. Last evaluated: 2025-05-19. Review status: criteria provided, single submitter. Criteria: ACMG Guidelines, 2015. Collection method: clinical testing. Allele origin: germline.

NM_201384.3(PLEC):c.10445G>A (p.Arg3482His)

Gene: PLEC (plectin; minus strand). Cytogenetic location: 8q24.3.
Variant type: single nucleotide variant.
Coding change: c.10445G>A on transcript NM_201384.3 (MANE Select); coding-DNA position 10445, G replaced by A.
Protein change: p.Arg3482His; replaces arginine 3482 with histidine.
Molecular consequence: missense variant.
Genome position (GRCh38, 1-based): chr8:143,919,376, C>T on the plus strand (G>A on the coding strand, the complement: PLEC is on the minus strand). VCF-style: chr8-143919376-C-T. GRCh37 (hg19) VCF-style: chr8-144993544-C-T.
Other names: c.10526G>A, p.Arg3509His (NM_000445.5); c.10403G>A, p.Arg3468His (NM_201378.4); c.10379G>A, p.Arg3460His (NM_201379.3); c.10856G>A, p.Arg3619His (NM_201380.4); c.10349G>A, p.Arg3450His (NM_201381.3); c.10445G>A, p.Arg3482His (NM_201382.4); c.10457G>A, p.Arg3486His (NM_201383.3); short protein forms R3509H, R3619H, R3468H, R3450H, R3460H, R3482H, R3486H.
Identifiers: ClinVar variation 478526 (VCV000478526.11), dbSNP rs548876454, ClinGen allele CA4924652.